The following is an entry in ClinVar:

NM_001365276.2(TNXB):c.5146G>C (p.Val1716Leu)

Gene: TNXB (tenascin XB; minus strand). Cytogenetic location: 6p21.33.
Variant type: single nucleotide variant.
Coding change: c.5146G>C on transcript NM_001365276.2 (MANE Select); coding-DNA position 5146, G replaced by C.
Protein change: p.Val1716Leu; replaces valine 1716 with leucine.
Molecular consequence: missense variant.
Genome position (GRCh38, 1-based): chr6:32,070,259, C>G on the plus strand (G>C on the coding strand, the complement: TNXB is on the minus strand). VCF-style: chr6-32070259-C-G. GRCh37 (hg19) VCF-style: chr6-32038036-C-G.
Other names: c.5146G>C, p.Val1716Leu (NM_019105.8); short protein forms V1716L.
Identifiers: ClinVar variation 2451144 (VCV002451144.3), dbSNP rs771184296, ClinGen allele CA3734781.

ClinVar aggregate classification (germline): Uncertain significance (1 of 4 stars; one submission).

Conditions:
Cardiovascular phenotype. Identifiers: MedGen CN230736.

Allele frequency attached by ClinVar (database versions not stated): gnomAD exomes 0.00001; gnomAD 0.00001; TOPMed below 0.00001; ExAC 0.00002.
gnomAD v4.1: 9 of 1,612,672 alleles (0.00056%); highest among the groups gnomAD compares: Non-Finnish European, 0.00076%; no homozygotes.

Submission:

Ambry Genetics
Classification: Uncertain significance for Cardiovascular phenotype. Last evaluated: 2025-10-12. Review status: criteria provided, single submitter. Criteria: Ambry Variant Classification Scheme 2023. Collection method: clinical testing. Allele origin: germline.
Comment: The p.V1716L variant (also known as c.5146G>C), located in coding exon 13 of the TNXB gene, results from a G to C substitution at nucleotide position 5146. The valine at codon 1716 is replaced by leucine, an amino acid with highly similar properties. This amino acid position is conserved. In addition, this alteration is predicted to be tolerated by in silico analysis. Since supporting evidence is limited at this time, the clinical significance of this alteration remains unclear.